The following is an entry in ClinVar:

NM_001286577.2(C2CD3):c.5748A>G (p.Gln1916=)

Genes: C2CD3 (C2 domain containing 3 centriole elongation regulator; minus strand), LOC126861262 (CDK7 strongly-dependent group 2 enhancer GRCh37_chr11:73747696-73748895; plus strand). Cytogenetic location: 11q13.4.
Variant type: single nucleotide variant.
Coding change: c.5748A>G on transcript NM_001286577.2 (MANE Select); coding-DNA position 5748, A replaced by G.
Protein change: p.Gln1916=; no amino-acid change (glutamine 1916 retained).
Molecular consequence: synonymous variant.
Genome position (GRCh38, 1-based): chr11:74,037,611, T>C on the plus strand (A>G on the coding strand, the complement: C2CD3 is on the minus strand). VCF-style: chr11-74037611-T-C. GRCh37 (hg19) VCF-style: chr11-73748656-T-C.
Other names: c.5748A>G (NM_015531.5); c.5748A>G, p.Gln1916= (NM_015531.6).
Identifiers: ClinVar variation 2790430 (VCV002790430.5), dbSNP rs1233122049, ClinGen allele CA475656018.

ClinVar aggregate classification (germline): Likely benign. Review status: criteria provided, single submitter (1 of 4 stars). 2 submissions from 2 submitters: Likely benign (1). 1 of the submissions does not count toward it. Last evaluated 2023-08-16.

Conditions:
C2CD3-related disorder. Also called: C2CD3-related condition.

Allele frequency attached by ClinVar (database versions not stated): gnomAD exomes below 0.00001; gnomAD 0.00001; TOPMed 0.00001.
gnomAD v4.1: 2 of 1,613,968 alleles (0.00012%); highest among the groups gnomAD compares: Non-Finnish European, 0.00017%; no homozygotes.

Submissions (2):

Labcorp Genetics (formerly Invitae), Labcorp
Classification: Likely benign. Last evaluated: 2023-08-16. Review status: criteria provided, single submitter. Criteria: Invitae Variant Classification Sherloc (09022015). Collection method: clinical testing. Allele origin: germline.

PreventionGenetics, part of Exact Sciences
Classification: Likely benign for C2CD3-related condition. Last evaluated: 2021-01-28. Review status: no assertion criteria provided. Collection method: clinical testing. Allele origin: germline. Not counted in ClinVar's aggregate classification.
Comment: This variant is classified as likely benign based on ACMG/AMP sequence variant interpretation guidelines (Richards et al. 2015 PMID: 25741868, with internal and published modifications).